The following is an entry in ClinVar:

NM_001376.5(DYNC1H1):c.8400T>A (p.Thr2800=)

Gene: DYNC1H1 (dynein cytoplasmic 1 heavy chain 1; plus strand). Cytogenetic location: 14q32.31.
Variant type: single nucleotide variant.
Coding change: c.8400T>A on transcript NM_001376.5 (MANE Select); coding-DNA position 8400, T replaced by A.
Protein change: p.Thr2800=; no amino-acid change (threonine 2800 retained).
Molecular consequence: synonymous variant.
Genome position (GRCh38, 1-based): chr14:102,019,949, T>A. VCF-style: chr14-102019949-T-A. GRCh37 (hg19) VCF-style: chr14-102486286-T-A.
Identifiers: ClinVar variation 2741153 (VCV002741153.3), dbSNP rs995585686, ClinGen allele CA266956402.

ClinVar aggregate classification (germline): Uncertain significance (1 of 4 stars; one submission).

Conditions:
Charcot-Marie-Tooth disease axonal type 2O. Also called: CHARCOT-MARIE-TOOTH NEUROPATHY, AXONAL, TYPE 2O; CHARCOT-MARIE-TOOTH DISEASE, AXONAL, AUTOSOMAL DOMINANT, TYPE 2O; Charcot-Marie-Tooth Neuropathy Type 2O; Charcot-Marie-Tooth disease, axonal, type 20. Identifiers: Orphanet 284232, MedGen C3280220, MONDO:0013644, OMIM 614228.

gnomAD v4.1: 1 of 1,614,168 alleles (0.000062%); no homozygotes.

Submission:

Labcorp Genetics (formerly Invitae), Labcorp
Classification: Uncertain significance for Charcot-Marie-Tooth disease axonal type 2O. Last evaluated: 2023-08-22. Review status: criteria provided, single submitter. Criteria: Invitae Variant Classification Sherloc (09022015). Collection method: clinical testing. Allele origin: germline.
Comment: In summary, the available evidence is currently insufficient to determine the role of this variant in disease. Therefore, it has been classified as a Variant of Uncertain Significance. Algorithms developed to predict the effect of sequence changes on RNA splicing suggest that this variant may disrupt the consensus splice site. This variant has not been reported in the literature in individuals affected with DYNC1H1-related conditions. This variant is not present in population databases (gnomAD no frequency). This sequence change affects codon 2800 of the DYNC1H1 mRNA. It is a 'silent' change, meaning that it does not change the encoded amino acid sequence of the DYNC1H1 protein.